The following is an entry in ClinVar:

ClinVar aggregate classification (germline): Uncertain significance (1 of 4 stars; one submission).

Conditions:
Severe combined immunodeficiency, autosomal recessive, T cell-negative, B cell-negative, NK cell-negative, due to adenosine deaminase deficiency. Also called: ADA-SCID; ADA deficiency; Adenosine deaminase deficient severe combined immunodeficiency; Severe combined immunodeficiency due to ADA deficiency; SCID DUE TO ADA DEFICIENCY; SCID DUE TO ADA DEFICIENCY, EARLY-ONSET. Identifiers: Orphanet 277, MedGen C0392607, MONDO:0007064, OMIM 102700.

Submission:

Labcorp Genetics (formerly Invitae), Labcorp
Classification: Uncertain significance for Severe combined immunodeficiency, autosomal recessive, T cell-negative, B cell-negative, NK cell-negative, due to adenosine deaminase deficiency. Last evaluated: 2022-06-20. Review status: criteria provided, single submitter. Criteria: Invitae Variant Classification Sherloc (09022015). Collection method: clinical testing. Allele origin: germline.
Comment: In summary, the available evidence is currently insufficient to determine the role of this variant in disease. Therefore, it has been classified as a Variant of Uncertain Significance. Advanced modeling of protein sequence and biophysical properties (such as structural, functional, and spatial information, amino acid conservation, physicochemical variation, residue mobility, and thermodynamic stability) performed at Invitae indicates that this missense variant is not expected to disrupt ADA protein function. This variant has not been reported in the literature in individuals affected with ADA-related conditions. This variant is not present in population databases (gnomAD no frequency). This sequence change replaces proline, which is neutral and non-polar, with serine, which is neutral and polar, at codon 354 of the ADA protein (p.Pro354Ser).

NM_000022.4(ADA):c.1060C>T (p.Pro354Ser)

Gene: ADA (adenosine deaminase; minus strand). Cytogenetic location: 20q13.12.
Variant type: single nucleotide variant.
Coding change: c.1060C>T on transcript NM_000022.4 (MANE Select); coding-DNA position 1060, C replaced by T.
Protein change: p.Pro354Ser; replaces proline 354 with serine.
Molecular consequence: missense variant. On other transcripts: non-coding transcript variant (1).
Genome position (GRCh38, 1-based): chr20:44,620,317, G>A on the plus strand (C>T on the coding strand, the complement: ADA is on the minus strand). VCF-style: chr20-44620317-G-A. GRCh37 (hg19) VCF-style: chr20-43248958-G-A.
Other names: c.655C>T, p.Pro219Ser (NM_001322050.2); c.988C>T, p.Pro330Ser (NM_001322051.2); short protein forms P354S, P219S, P330S.
Identifiers: ClinVar variation 1348668 (VCV001348668.8), dbSNP rs2123507717, ClinGen allele CA409118375.